The following is an entry in ClinVar:

ClinVar aggregate classification (germline): Uncertain significance (1 of 4 stars; one submission).

Submission:

GeneDx
Classification: Uncertain significance. Last evaluated: 2026-02-27. Review status: criteria provided, single submitter. Criteria: GeneDx Variant Classification Process June 2021. Collection method: clinical testing. Allele origin: germline.
Comment: Not observed at significant frequency in large population cohorts (gnomAD); Nonsense variant predicted to result in protein truncation or nonsense mediated decay in a gene or region of a gene for which loss of function is not a well-established mechanism of disease; Has not been previously published as pathogenic or benign to our knowledge

NM_012199.5(AGO1):c.2275C>T (p.Arg759Ter)

Gene: AGO1 (argonaute RISC component 1; plus strand). Cytogenetic location: 1p34.3.
Variant type: single nucleotide variant.
Coding change: c.2275C>T on transcript NM_012199.5 (MANE Select); coding-DNA position 2275, C replaced by T.
Protein change: p.Arg759Ter; replaces arginine 759 with a stop codon.
Molecular consequence: nonsense.
Genome position (GRCh38, 1-based): chr1:35,919,064, C>T. VCF-style: chr1-35919064-C-T. GRCh37 (hg19) VCF-style: chr1-36384665-C-T.
Other names: c.2275C>T, p.Arg759Ter (NM_001317122.2); c.2050C>T, p.Arg684Ter (NM_001317123.2); short protein forms R684*, R759*.
Identifiers: ClinVar variation 5008168 (VCV005008168.1).